The following is an entry in ClinVar:

ClinVar aggregate classification (germline): Uncertain significance. Review status: criteria provided, multiple submitters, no conflicts (2 of 4 stars). 2 submissions from 2 submitters: Uncertain significance (2). Last evaluated 2024-07-11.

Allele frequency attached by ClinVar (database versions not stated): gnomAD 0.00001; ESP Exome Variant Server 0.00008.
gnomAD v4.1: 22 of 1,613,628 alleles (0.0014%); highest among the groups gnomAD compares: African/African-American, 0.004%; no homozygotes.

Submissions (2):

GeneDx
Classification: Uncertain significance. Last evaluated: 2024-07-11. Review status: criteria provided, single submitter. Criteria: GeneDx Variant Classification Process June 2021. Collection method: clinical testing. Allele origin: germline. Affected: yes.
Comment: In silico analysis supports that this missense variant has a deleterious effect on protein structure/function; Has not been previously published as pathogenic or benign to our knowledge

Labcorp Genetics (formerly Invitae), Labcorp
Classification: Uncertain significance. Last evaluated: 2021-10-07. Review status: criteria provided, single submitter. Criteria: Invitae Variant Classification Sherloc (09022015). Collection method: clinical testing. Allele origin: germline.
Comment: In summary, the available evidence is currently insufficient to determine the role of this variant in disease. Therefore, it has been classified as a Variant of Uncertain Significance. Algorithms developed to predict the effect of missense changes on protein structure and function are either unavailable or do not agree on the potential impact of this missense change (SIFT: "Deleterious"; PolyPhen-2: "Probably Damaging"; Align-GVGD: "Class C0"). This variant has not been reported in the literature in individuals affected with WDR1-related conditions. This variant is present in population databases (rs373592999, ExAC 0.01%). This sequence change replaces arginine with tryptophan at codon 161 of the WDR1 protein (p.Arg161Trp). The arginine residue is highly conserved and there is a moderate physicochemical difference between arginine and tryptophan.

NM_017491.5(WDR1):c.481C>T (p.Arg161Trp)

Gene: WDR1 (WD repeat domain 1; minus strand). Cytogenetic location: 4p16.1.
Variant type: single nucleotide variant.
Coding change: c.481C>T on transcript NM_017491.5 (MANE Select); coding-DNA position 481, C replaced by T.
Protein change: p.Arg161Trp; replaces arginine 161 with tryptophan.
Molecular consequence: missense variant. On other transcripts: intron variant (1).
Genome position (GRCh38, 1-based): chr4:10,097,788, G>A on the plus strand (C>T on the coding strand, the complement: WDR1 is on the minus strand). VCF-style: chr4-10097788-G-A. GRCh37 (hg19) VCF-style: chr4-10099412-G-A.
Other names: c.481C>T (NM_017491.3); c.139-9047C>T (NM_005112.5); short protein forms R161W.
Identifiers: ClinVar variation 1061495 (VCV001061495.6), dbSNP rs373592999, ClinGen allele CA2858048.
Genomic context (GRCh38, chr4:10,097,788, plus strand): 5'-ACTTGAATGGGGGTCCCTCAAAGAATGCCGCGCAGTTATCATCGCTTCCCGTGGCCAGCC[G>A]GTATGGCCGGCTCTGCTTGATGTCCACGCTGTTGATGACTTTGTTGTGTCCTGTAATCTC-3'
Protein context (NP_059830.1, residues 151-171): SVDIKQSRPY[Arg161Trp]LATGSDDNCA